The following is an entry in ClinVar:

NM_014795.4(ZEB2):c.985A>T (p.Ile329Phe)

Gene: ZEB2 (zinc finger E-box binding homeobox 2; minus strand). Cytogenetic location: 2q22.3.
Variant type: single nucleotide variant.
Coding change: c.985A>T on transcript NM_014795.4 (MANE Select); coding-DNA position 985, A replaced by T.
Protein change: p.Ile329Phe; replaces isoleucine 329 with phenylalanine.
Molecular consequence: missense variant.
Genome position (GRCh38, 1-based): chr2:144,400,202, T>A on the plus strand (A>T on the coding strand, the complement: ZEB2 is on the minus strand). VCF-style: chr2-144400202-T-A. GRCh37 (hg19) VCF-style: chr2-145157769-T-A.
Other names: p.(Ile329Phe); c.913A>T, p.Ile305Phe (NM_001171653.2); short protein forms I329F, I305F.
Identifiers: ClinVar variation 2120223 (VCV002120223.4), dbSNP rs2549107185, ClinGen allele CA348713271.

ClinVar aggregate classification (germline): Uncertain significance (1 of 4 stars; one submission).

Conditions:
Mowat-Wilson syndrome (MOWS). Also called: Classic Mowat-Wilson Syndrome. Identifiers: Orphanet 2152, MedGen C1856113, MONDO:0009341, OMIM 235730.

Submission:

Labcorp Genetics (formerly Invitae), Labcorp
Classification: Uncertain significance for Mowat-Wilson syndrome. Last evaluated: 2022-08-22. Review status: criteria provided, single submitter. Criteria: Invitae Variant Classification Sherloc (09022015). Collection method: clinical testing. Allele origin: germline.
Comment: In summary, the available evidence is currently insufficient to determine the role of this variant in disease. Therefore, it has been classified as a Variant of Uncertain Significance. Algorithms developed to predict the effect of missense changes on protein structure and function are either unavailable or do not agree on the potential impact of this missense change (SIFT: "Deleterious"; PolyPhen-2: "Probably Damaging"; Align-GVGD: "Class C0"). This variant has not been reported in the literature in individuals affected with ZEB2-related conditions. This variant is not present in population databases (gnomAD no frequency). This sequence change replaces isoleucine, which is neutral and non-polar, with phenylalanine, which is neutral and non-polar, at codon 329 of the ZEB2 protein (p.Ile329Phe).